The following is an entry in ClinVar:

ClinVar aggregate classification (germline): Uncertain significance (1 of 4 stars; one submission).

Conditions:
Inborn genetic diseases. Identifiers: MedGen C0950123, MeSH D030342.

Allele frequency attached by ClinVar (database versions not stated): gnomAD 0.00001; gnomAD exomes 0.00001; TOPMed 0.00001; ExAC 0.00002; 1000 Genomes Project 0.00020; 1000 Genomes Project 30x 0.00031.
gnomAD v4.1: 13 of 1,613,828 alleles (0.00081%); highest among the groups gnomAD compares: South Asian, 0.0011%; no homozygotes.

Submission:

Ambry Genetics
Classification: Uncertain significance for Inborn genetic diseases. Last evaluated: 2022-07-11. Review status: criteria provided, single submitter. Criteria: Ambry Variant Classification Scheme 2023. Collection method: clinical testing. Allele origin: germline.
Comment: The p.I71V variant (also known as c.211A>G), located in coding exon 2 of the MDH2 gene, results from an A to G substitution at nucleotide position 211. The isoleucine at codon 71 is replaced by valine, an amino acid with highly similar properties. This amino acid position is conserved. In addition, the in silico prediction for this alteration is inconclusive. Since supporting evidence is limited at this time, the clinical significance of this alteration remains unclear.

NM_005918.4(MDH2):c.211A>G (p.Ile71Val)

Gene: MDH2 (malate dehydrogenase 2; plus strand). Cytogenetic location: 7q11.23.
Variant type: single nucleotide variant.
Coding change: c.211A>G on transcript NM_005918.4 (MANE Select); coding-DNA position 211, A replaced by G.
Protein change: p.Ile71Val; replaces isoleucine 71 with valine.
Molecular consequence: missense variant. On other transcripts: intron variant (1).
Genome position (GRCh38, 1-based): chr7:76,054,974, A>G. VCF-style: chr7-76054974-A-G. GRCh37 (hg19) VCF-style: chr7-75684292-A-G.
Other names: c.211A>G, p.Ile71Val (NM_001282403.2); c.-86-2436A>G (NM_001282404.2); short protein forms I71V.
Identifiers: ClinVar variation 1786211 (VCV001786211.2), dbSNP rs537742207, ClinGen allele CA4305446.